The following is an entry in ClinVar:

NM_005359.6(SMAD4):c.57T>C (p.Ile19=)

Gene: SMAD4 (SMAD family member 4; plus strand). Cytogenetic location: 18q21.2.
Variant type: single nucleotide variant.
Coding change: c.57T>C on transcript NM_005359.6 (MANE Select); coding-DNA position 57, T replaced by C.
Protein change: p.Ile19=; no amino-acid change (isoleucine 19 retained).
Molecular consequence: synonymous variant. On other transcripts: non-coding transcript variant (2).
Genome position (GRCh38, 1-based): chr18:51,047,103, T>C. VCF-style: chr18-51047103-T-C. GRCh37 (hg19) VCF-style: chr18-48573473-T-C.
Other names: c.57T>C, p.Ile19= (NM_001407041.1, NM_001407042.1, NM_001407043.1).
Identifiers: ClinVar variation 3904023 (VCV003904023.1).

ClinVar aggregate classification (germline): Benign (1 of 4 stars; one submission).

Conditions:
Juvenile polyposis/hereditary hemorrhagic telangiectasia syndrome (JPHT). Also called: JP/HHT SYNDROME; JUVENILE POLYPOSIS WITH HEREDITARY HEMORRHAGIC TELANGIECTASIA; POLYPOSIS, GENERALIZED JUVENILE, WITH PULMONARY ARTERIOVENOUS MALFORMATION; TELANGIECTASIA, HEREDITARY HEMORRHAGIC, WITH JUVENILE POLYPOSIS COLI; Juvenile Polyposis Syndrome / Hereditary Hemorrhagic Telangiectasia (JPS/HHT). Identifiers: Orphanet 2929, MedGen C1832942, MONDO:0008278, OMIM 175050.

Submission:

Myriad Genetics, Inc.
Classification: Benign for Juvenile polyposis/hereditary hemorrhagic telangiectasia syndrome. Last evaluated: 2025-03-18. Review status: criteria provided, single submitter. Criteria: Myriad Autosomal Dominant, Autosomal Recessive and X-Linked Classification Criteria (2023). Collection method: clinical testing. Allele origin: unknown.
Comment: This variant is considered benign. This variant is a silent/synonymous amino acid change and it is not expected to impact splicing.